The following is an entry in ClinVar:

ClinVar aggregate classification (germline): Uncertain significance. Review status: criteria provided, multiple submitters, no conflicts (2 of 4 stars). 2 submissions from 2 submitters: Uncertain significance (2). Last evaluated 2024-10-24.

Conditions:
Renal cell carcinoma. Identifiers: Orphanet 217071, MedGen C0007134, MeSH D002292, MONDO:0005086, HP:0005584.
Hereditary cancer-predisposing syndrome. Also called: Hereditary neoplastic syndrome; Tumor predisposition; Neoplastic Syndromes, Hereditary; Hereditary Cancer Syndrome. Identifiers: Orphanet 140162, MedGen C0027672, MeSH D009386, MONDO:0015356.

Allele frequency attached by ClinVar (database versions not stated): gnomAD exomes below 0.00001; TOPMed 0.00001.
gnomAD v4.1: 5 of 1,611,582 alleles (0.00031%); highest among the groups gnomAD compares: Non-Finnish European, 0.00042%; no homozygotes.

Submissions (2):

Labcorp Genetics (formerly Invitae), Labcorp
Classification: Uncertain significance for Renal cell carcinoma. Last evaluated: 2024-10-24. Review status: criteria provided, single submitter. Criteria: Invitae Variant Classification Sherloc (09022015). Collection method: clinical testing. Allele origin: germline.
Comment: This sequence change falls in intron 11 of the MET gene. It does not directly change the encoded amino acid sequence of the MET protein. It affects a nucleotide within the consensus splice site. This variant is present in population databases (no rsID available, gnomAD 0.0009%). This variant has not been reported in the literature in individuals affected with MET-related conditions. ClinVar contains an entry for this variant (Variation ID: 957037). Variants that disrupt the consensus splice site are a relatively common cause of aberrant splicing (PMID: 17576681, 9536098). Algorithms developed to predict the effect of sequence changes on RNA splicing suggest that this variant is not likely to affect RNA splicing. In summary, the available evidence is currently insufficient to determine the role of this variant in disease. Therefore, it has been classified as a Variant of Uncertain Significance.

Ambry Genetics
Classification: Uncertain significance for Hereditary cancer-predisposing syndrome. Last evaluated: 2024-01-22. Review status: criteria provided, single submitter. Criteria: Ambry Variant Classification Scheme 2023. Collection method: clinical testing. Allele origin: germline.
Comment: The c.2637+5G>A intronic variant results from a G to A substitution 5 nucleotides after coding exon 10 in the MET gene. This nucleotide position is highly conserved in available vertebrate species. In silico splice site analysis predicts that this alteration may weaken the native splice donor site. Based on the available evidence, the clinical significance of this alteration remains unclear.

Literature cited by the submitters: PubMed 17576681 (cited by Labcorp Genetics (formerly Invitae), Labcorp); PubMed 9536098 (cited by Labcorp Genetics (formerly Invitae), Labcorp).

NM_000245.4(MET):c.2583+5G>A

Gene: MET (MET proto-oncogene, receptor tyrosine kinase; plus strand). Cytogenetic location: 7q31.2.
Variant type: single nucleotide variant.
Coding change: c.2583+5G>A on transcript NM_000245.4 (MANE Select); 5 bases into the intron after coding-DNA position 2583, G replaced by A.
Molecular consequence: intron variant.
Genome position (GRCh38, 1-based): chr7:116,763,273, G>A. VCF-style: chr7-116763273-G-A. GRCh37 (hg19) VCF-style: chr7-116403327-G-A.
Other names: c.2637+5G>A (NM_001127500.3); c.1293+5G>A (NM_001324402.2); c.2583+5G>A (NM_001324401.3).
Identifiers: ClinVar variation 957037 (VCV000957037.10), dbSNP rs1432247099, ClinGen allele CA577680476.